The following is an entry in ClinVar:

ClinVar aggregate classification (germline): Pathogenic/Likely pathogenic. Review status: criteria provided, multiple submitters, no conflicts (2 of 4 stars). 2 submissions from 2 submitters: Pathogenic (1); Likely pathogenic (1). Last evaluated 2024-10-22.

Conditions:
TG-related disorder. Also called: TG-related condition; TG-related disorders.

Allele frequency attached by ClinVar (database versions not stated): ExAC 0.00001; gnomAD 0.00001; TOPMed 0.00001.
gnomAD v4.1: 4 of 1,613,922 alleles (0.00025%); highest among the groups gnomAD compares: Non-Finnish European, 0.00034%; no homozygotes.

Submissions (2):

Blueprint Genetics
Classification: Likely pathogenic for TG-related disorders. Last evaluated: 2024-10-22. Review status: criteria provided, single submitter. Criteria: ACMG Guidelines, 2015. Collection method: clinical testing. Allele origin: germline. Affected: yes. Observed: 3 variant alleles.

Labcorp Genetics (formerly Invitae), Labcorp
Classification: Pathogenic. Last evaluated: 2023-04-06. Review status: criteria provided, single submitter. Criteria: Invitae Variant Classification Sherloc (09022015). Collection method: clinical testing. Allele origin: germline.
Comment: This variant is present in population databases (rs756225459, gnomAD 0.002%). This sequence change creates a premature translational stop signal (p.Gln1297*) in the TG gene. It is expected to result in an absent or disrupted protein product. Loss-of-function variants in TG are known to be pathogenic (PMID: 19837936, 23164529). This variant has not been reported in the literature in individuals affected with TG-related conditions. For these reasons, this variant has been classified as Pathogenic.

Literature cited by the submitters: PubMed 19837936 (cited by Labcorp Genetics (formerly Invitae), Labcorp); PubMed 23164529 (cited by Labcorp Genetics (formerly Invitae), Labcorp).

NM_003235.5(TG):c.3889C>T (p.Gln1297Ter)

Gene: TG (thyroglobulin; plus strand). Cytogenetic location: 8q24.22.
Variant type: single nucleotide variant.
Coding change: c.3889C>T on transcript NM_003235.5 (MANE Select); coding-DNA position 3889, C replaced by T.
Protein change: p.Gln1297Ter; replaces glutamine 1297 with a stop codon.
Molecular consequence: nonsense.
Genome position (GRCh38, 1-based): chr8:132,908,227, C>T. VCF-style: chr8-132908227-C-T. GRCh37 (hg19) VCF-style: chr8-133920472-C-T.
Other names: short protein forms Q1297*.
Identifiers: ClinVar variation 2782825 (VCV002782825.4), dbSNP rs756225459, ClinGen allele CA4883936.
Genomic context (GRCh38, chr8:132,908,227, plus strand): 5'-CTCTGGTGCTTGCCTGCAGGGCCCCAGCTGTGGCAGACCATCCAGACCCAAGGGCACTTT[C>T]AGCTCCAGCTCCCGCCGGGCAAGATGTGCAGTGCTGACTACGCGGATTTGCTGCAGACTT-3'